The following is an entry in ClinVar:

ClinVar aggregate classification (germline): Uncertain significance (1 of 4 stars; one submission).

Conditions:
Developmental and epileptic encephalopathy, 34 (DEE34). Also called: Early infantile epileptic encephalopathy 34; SLC12A5-Related Epilepsy of Infancy with Migrating Focal Seizures. Identifiers: Orphanet 293181, MedGen C4225257, MONDO:0014718, OMIM 616645.

Allele frequency attached by ClinVar (database versions not stated): TOPMed 0.00001.
gnomAD v4.1: 2 of 1,608,390 alleles (0.00012%); no homozygotes.

Submission:

Labcorp Genetics (formerly Invitae), Labcorp
Classification: Uncertain significance for Developmental and epileptic encephalopathy, 34. Last evaluated: 2021-07-08. Review status: criteria provided, single submitter. Criteria: Invitae Variant Classification Sherloc (09022015). Collection method: clinical testing. Allele origin: germline.
Comment: This sequence change affects codon 849 of the SLC12A5 mRNA. It is a 'silent' change, meaning that it does not change the encoded amino acid sequence of the SLC12A5 protein. This variant also falls at the last nucleotide of exon 19, which is part of the consensus splice site for this exon. This variant is not present in population databases (ExAC no frequency). This variant has not been reported in the literature in individuals affected with SLC12A5-related conditions. Nucleotide substitutions within the consensus splice site are a relatively common cause of aberrant splicing (PMID: 17576681, 9536098). Algorithms developed to predict the effect of sequence changes on RNA splicing suggest that this variant may disrupt the consensus splice site. In summary, the available evidence is currently insufficient to determine the role of this variant in disease. Therefore, it has been classified as a Variant of Uncertain Significance.

Literature cited by the submitters: PubMed 17576681; PubMed 9536098.

NM_020708.5(SLC12A5):c.2547G>A (p.Lys849=)

Gene: SLC12A5 (solute carrier family 12 member 5; plus strand). Cytogenetic location: 20q13.12.
Variant type: single nucleotide variant.
Coding change: c.2547G>A on transcript NM_020708.5 (MANE Select); coding-DNA position 2547, G replaced by A.
Protein change: p.Lys849=; no amino-acid change (lysine 849 retained).
Molecular consequence: synonymous variant.
Genome position (GRCh38, 1-based): chr20:46,053,126, G>A. VCF-style: chr20-46053126-G-A. GRCh37 (hg19) VCF-style: chr20-44681765-G-A.
Other names: c.2616G>A, p.Lys872= (NM_001134771.2).
Identifiers: ClinVar variation 1379107 (VCV001379107.3), dbSNP rs1271576929, ClinGen allele CA510657124.